The following is an entry in ClinVar:

ClinVar aggregate classification (germline): Uncertain significance (1 of 4 stars; one submission).

Conditions:
Familial thoracic aortic aneurysm and aortic dissection (TAAD). Also called: Thoracic aortic aneurysms and dissections. Identifiers: Orphanet 91387, MedGen C4707243, MONDO:0019625.

Submission:

Color Diagnostics, LLC DBA Color Health
Classification: Uncertain significance for Familial thoracic aortic aneurysm and aortic dissection. Last evaluated: 2025-07-25. Review status: criteria provided, single submitter. Criteria: ACMG Guidelines, 2015. Collection method: clinical testing. Allele origin: germline.
Comment: This missense variant replaces glycine with arginine at codon 1243 of the COL3A1 protein. Computational prediction suggests that this variant may not impact protein structure and function. To our knowledge, functional studies have not been reported for this variant. This variant has not been reported in individuals affected with COL3A1-related disorders in the literature. This variant has not been identified in the general population by the Genome Aggregation Database (gnomAD). The available evidence is insufficient to determine the role of this variant in disease conclusively. Therefore, this variant is classified as a Variant of Uncertain Significance.

NM_000090.4(COL3A1):c.3727G>A (p.Gly1243Arg)

Gene: COL3A1 (collagen type III alpha 1 chain; plus strand). Cytogenetic location: 2q32.2.
Variant type: single nucleotide variant.
Coding change: c.3727G>A on transcript NM_000090.4 (MANE Select); coding-DNA position 3727, G replaced by A.
Protein change: p.Gly1243Arg; replaces glycine 1243 with arginine.
Molecular consequence: missense variant.
Genome position (GRCh38, 1-based): chr2:189,009,125, G>A. VCF-style: chr2-189009125-G-A. GRCh37 (hg19) VCF-style: chr2-189873851-G-A.
Other names: short protein forms G1243R.
Identifiers: ClinVar variation 4759014 (VCV004759014.1).